The following is an entry in ClinVar:

ClinVar aggregate classification (germline): Uncertain significance (3 of 4 stars; one submission).

Conditions:
Overgrowth syndrome and/or cerebral malformations due to abnormalities in MTOR pathway genes. Identifiers: MedGen CN300503, MONDO:0100283.

Submission:

ClinGen Brain Malformations Variant Curation Expert Panel
Classification: Uncertain significance for Overgrowth syndrome and/or cerebral malformations due to abnormalities in MTOR pathway genes. Last evaluated: 2025-06-06. Review status: reviewed by expert panel. Criteria: ClinGen BrainMalform ACMG Specifications V1.1.0. Collection method: curation. Allele origin: germline. Inheritance: Autosomal dominant inheritance.
Comment: The NM_006218.4:c.1631C>A variant in the PIK3CA gene is a missense variant predicted to cause substitution of threonine by asparagine at amino acid 544. This variant is absent from gnomAD v4.1.0 (PM2_Supporting). PIK3CA, in which the variant was identified, is defined by the ClinGen Brain Malformations Variant Curation Expert Panel (BM VCEP) as a gene that has a low rate of benign missense variation and where pathogenic missense variants are a common mechanism of disease (PP2). The variant was identified in a patient with colorectal cancer and a high-grade 3 cm tumor (PMID:22357840). The variant was also reported in association with 6 additional tumor samples in COSMIC (PS4_Moderate). Of note, in PIK3CA the variant has been observed in cis with the pathogenic variant c.1624G>A (p.Glu542Lys) (PMID:25722288) in an individual with features consistent with this disorder (BP2). This proband had a phenotype consistent with the condition, where neuroimaging demonstrated at least one large cerebral hemisphere with cortical malformations (PMID:25722288). In summary, due to conflicting information, this variant meets the criteria to be classified as uncertain significance for overgrowth syndrome and/or cerebral malformations due to abnormalities in MTOR pathway genes based on the ACMG/AMP criteria applied, as specified by the ClinGen BM VCEP: PM2_Supporting, PP2, PS4_Moderate, BP2 (ClinGen Brain Malformations VCEP Specifications Version 1.1).

NM_006218.4(PIK3CA):c.1631C>A (p.Thr544Asn)

Gene: PIK3CA (phosphatidylinositol-4,5-bisphosphate 3-kinase catalytic subunit alpha; plus strand). Cytogenetic location: 3q26.32.
Variant type: single nucleotide variant.
Coding change: c.1631C>A on transcript NM_006218.4 (MANE Select); coding-DNA position 1631, C replaced by A.
Protein change: p.Thr544Asn; replaces threonine 544 with asparagine.
Molecular consequence: missense variant.
Genome position (GRCh38, 1-based): chr3:179,218,301, C>A. VCF-style: chr3-179218301-C-A. GRCh37 (hg19) VCF-style: chr3-178936089-C-A.
Other names: NM_006218.4:c.1631C>A; NM_006218.4(PIK3CA):c.1631C>A; p.Thr544Asn; short protein forms T544N.
Identifiers: ClinVar variation 1296990 (VCV001296990.5), dbSNP rs2108408335, ClinGen allele CA355265058.